The following is an entry in ClinVar:

NM_007294.4(BRCA1):c.81-19T>A

Gene: BRCA1 (BRCA1 DNA repair associated; minus strand). Cytogenetic location: 17q21.31.
Variant type: single nucleotide variant.
Coding change: c.81-19T>A on transcript NM_007294.4 (MANE Select); 19 bases into the intron before coding-DNA position 81, T replaced by A.
Molecular consequence: intron variant.
Genome position (GRCh38, 1-based): chr17:43,115,798, A>T on the plus strand (T>A on the coding strand, the complement: BRCA1 is on the minus strand). VCF-style: chr17-43115798-A-T. GRCh37 (hg19) VCF-style: chr17-41267815-A-T.
Other names: c.-108-19T>A (NM_001407910.1, NM_001407904.1, NM_001407884.1 and 52 more transcripts); c.81-19T>A (NM_001407646.1, NM_001408445.1, NM_001408432.1 and 191 more transcripts); c.-339-19T>A (NM_001407965.1); c.-177-19T>A (NM_001407930.1, NM_001407843.1, NM_001408456.1 and 13 more transcripts); c.-181-19T>A (NM_001408465.1, NM_001407695.1); c.-61-19T>A (NM_001407920.1, NM_001408504.1, NM_001408463.1 and 47 more transcripts); c.-8+5760T>A (NM_001407751.1, NM_001407726.1); c.-224-19T>A (NM_001407900.1, NM_001408492.1, NM_001407889.1); and 10 more.
Identifiers: ClinVar variation 867759 (VCV000867759.3), dbSNP rs1567818131, ClinGen allele CA916081087.
Genomic context (GRCh38, chr17:43,115,798, plus strand): 5'-TGGTCACACTTTGTGGAGACAGGTTCCTTGATCAACTCCAGACTAGCAGGGTAGGGGGGG[A>T]GAAAAAGAAAATAAATGAGGCTCAATAATTTATTTAAAAATAAAGCTATTCTTAGTGAAT-3'

Conditions:
Breast-ovarian cancer, familial, susceptibility to, 1 (BROVCA1). Also called: BRCA1 Hereditary Breast and Ovarian Cancer; OVARIAN CANCER, SUSCEPTIBILITY TO. Identifiers: Orphanet 145, MedGen C2676676, MONDO:0011450, OMIM 604370. Disease mechanism: loss of function.

Allele frequency attached by ClinVar (database versions not stated): gnomAD exomes below 0.00001.
gnomAD v4.1: 1 of 1,606,088 alleles (0.000062%); highest among the groups gnomAD compares: South Asian, 0.0011%; no homozygotes.

Submission:

Brotman Baty Institute, University of Washington
No classification provided (evidence only). Condition: Breast-ovarian cancer, familial 1. Review status: no classification provided. Collection method: in vitro. Allele origin: not applicable. Functional consequence: functionally_normal.
ClinVar note: "not provided" was previously submitted as the classification for the variant. However, the classification appeared to be based only on an observation of functional data so it was converted to no classification on 2025-07-30.